The following is an entry in ClinVar:

NM_000179.3(MSH6):c.1085C>T (p.Pro362Leu)

Gene: MSH6 (mutS homolog 6; plus strand). Cytogenetic location: 2p16.3.
Variant type: single nucleotide variant.
Coding change: c.1085C>T on transcript NM_000179.3 (MANE Select); coding-DNA position 1085, C replaced by T.
Protein change: p.Pro362Leu; replaces proline 362 with leucine.
Molecular consequence: missense variant.
Genome position (GRCh38, 1-based): chr2:47,799,068, C>T. VCF-style: chr2-47799068-C-T. GRCh37 (hg19) VCF-style: chr2-48026207-C-T.
Other names: c.695C>T, p.Pro232Leu (NM_001281492.2); c.179C>T, p.Pro60Leu (NM_001281493.2, NM_001281494.2, NM_001406811.1 and 6 more transcripts); c.1181C>T, p.Pro394Leu (NM_001406795.1, NM_001406802.1); c.1085C>T, p.Pro362Leu (NM_001406796.1, NM_001406798.1, NM_001406800.1 and 4 more transcripts); c.788C>T, p.Pro263Leu (NM_001406797.1, NM_001406801.1, NM_001406805.1 and 10 more transcripts); c.560C>T, p.Pro187Leu (NM_001406799.1, NM_001406806.1, NM_001406807.1); c.1007C>T, p.Pro336Leu (NM_001406804.1); c.1091C>T, p.Pro364Leu (NM_001406813.1); and 1 more; short protein forms P187L, P232L, P263L, P306L, P336L, P362L, P364L, P394L.
Identifiers: ClinVar variation 2445250 (VCV002445250.4), dbSNP rs759359754, ClinGen allele CA067137.

ClinVar aggregate classification (germline): Conflicting classifications of pathogenicity. Review status: criteria provided, conflicting classifications (1 of 4 stars). 3 submissions from 3 submitters: Uncertain significance (1); Benign (2). Last evaluated 2025-10-13.

Conditions:
Hereditary cancer-predisposing syndrome. Also called: Neoplastic Syndromes, Hereditary; Hereditary Cancer Syndrome; Tumor predisposition; Hereditary neoplastic syndrome. Identifiers: Orphanet 140162, MedGen C0027672, MeSH D009386, MONDO:0015356.
Ovarian cancer. Also called: OVARIAN CANCER, SOMATIC. Identifiers: Orphanet 213500, MedGen C1140680, MONDO:0008170, OMIM 167000.
Hereditary nonpolyposis colorectal neoplasms. Identifiers: MedGen C0009405, MeSH D003123.

Allele frequency attached by ClinVar (database versions not stated): TOPMed below 0.00001; ExAC 0.00001; gnomAD 0.00001.
gnomAD v4.1: 2 of 1,613,972 alleles (0.00012%); highest among the groups gnomAD compares: African/African-American, 0.0013%; no homozygotes.

Submissions (3):

Labcorp Genetics (formerly Invitae), Labcorp
Classification: Benign for Hereditary nonpolyposis colorectal neoplasms. Last evaluated: 2025-10-13. Review status: criteria provided, single submitter. Criteria: Invitae Variant Classification Sherloc (09022015). Collection method: clinical testing. Allele origin: germline.

Ambry Genetics
Classification: Uncertain significance for Hereditary cancer-predisposing syndrome. Last evaluated: 2024-12-31. Review status: criteria provided, single submitter. Criteria: Ambry Variant Classification Scheme 2023. Collection method: clinical testing. Allele origin: germline.
Comment: The p.P362L variant (also known as c.1085C>T), located in coding exon 4 of the MSH6 gene, results from a C to T substitution at nucleotide position 1085. The proline at codon 362 is replaced by leucine, an amino acid with similar properties. This variant was identified in a cohort of ovarian cancer patients (Fu K et al. Sci Rep, 2024 Mar;14:6702). This amino acid position is not well conserved in available vertebrate species. In addition, the in silico prediction for this alteration is inconclusive. Based on the available evidence, the clinical significance of this variant remains unclear.

Laboratory of Molecular Epidemiology of Birth Defects, West China Second University Hospital, Sichuan University
Classification: Benign for Ovarian cancer. Last evaluated: 2022-01-01. Review status: criteria provided, single submitter. Criteria: ACMG Guidelines, 2015. Collection method: clinical testing. Allele origin: germline. Affected: yes.

Literature cited by the submitters: PubMed 38509102 (cited by Ambry Genetics).